The following is an entry in ClinVar:

ClinVar aggregate classification (germline): Uncertain significance. Review status: criteria provided, multiple submitters, no conflicts (2 of 4 stars). 3 submissions from 3 submitters: Uncertain significance (2). 1 of the submissions does not count toward it. Last evaluated 2025-11-16.

Conditions:
Hereditary cancer-predisposing syndrome. Also called: Tumor predisposition; Hereditary Cancer Syndrome; Neoplastic Syndromes, Hereditary; Hereditary neoplastic syndrome. Identifiers: Orphanet 140162, MedGen C0027672, MeSH D009386, MONDO:0015356.
Hereditary breast ovarian cancer syndrome. Also called: Breast and ovarian cancer; Hereditary breast and ovarian cancer; Hereditary breast and ovarian cancer syndrome; BRCA1- and BRCA2-Associated Hereditary Breast and Ovarian Cancer; Hereditary breast and ovarian cancer syndrome (HBOC); Hereditary breast and/or ovarian cancer syndrome. Identifiers: Orphanet 145, MedGen C0677776, MeSH D061325, MONDO:0003582. Disease mechanism: loss of function.
Breast-ovarian cancer, familial, susceptibility to, 2 (BROVCA2). Also called: BRCA2 Hereditary Breast and Ovarian Cancer. Identifiers: Orphanet 145, MedGen C2675520, MONDO:0012933, OMIM 612555. Disease mechanism: loss of function.

Allele frequency attached by ClinVar (database versions not stated): gnomAD 0.00001; TOPMed 0.00001.
gnomAD v4.1: 1 of 1,552,026 alleles (0.000064%); highest among the groups gnomAD compares: African/African-American, 0.0014%; no homozygotes.

Submissions (3):

Labcorp Genetics (formerly Invitae), Labcorp
Classification: Uncertain significance for Hereditary breast ovarian cancer syndrome. Last evaluated: 2025-11-16. Review status: criteria provided, single submitter. Criteria: Invitae Variant Classification Sherloc (09022015). Collection method: clinical testing. Allele origin: germline.
Comment: This sequence change replaces lysine, which is basic and polar, with glutamine, which is neutral and polar, at codon 2286 of the BRCA2 protein (p.Lys2286Gln). This variant is not present in population databases (gnomAD no frequency). This variant has not been reported in the literature in individuals affected with BRCA2-related conditions. ClinVar contains an entry for this variant (Variation ID: 91460). Invitae Evidence Modeling of protein sequence and biophysical properties (such as structural, functional, and spatial information, amino acid conservation, physicochemical variation, residue mobility, and thermodynamic stability) indicates that this missense variant is not expected to disrupt BRCA2 protein function with a negative predictive value of 95%. In summary, the available evidence is currently insufficient to determine the role of this variant in disease. Therefore, it has been classified as a Variant of Uncertain Significance.

Ambry Genetics
Classification: Uncertain significance for Hereditary cancer-predisposing syndrome. Last evaluated: 2024-02-22. Review status: criteria provided, single submitter. Criteria: Ambry Variant Classification Scheme 2023. Collection method: clinical testing. Allele origin: germline.
Comment: The p.K2286Q variant (also known as c.6856A>C), located in coding exon 11 of the BRCA2 gene, results from an A to C substitution at nucleotide position 6856. The lysine at codon 2286 is replaced by glutamine, an amino acid with similar properties. This amino acid position is highly conserved in available vertebrate species. In addition, the in silico prediction for this alteration is inconclusive. Since supporting evidence is limited at this time, the clinical significance of this alteration remains unclear.

Sharing Clinical Reports Project (SCRP)
Classification: Uncertain significance for Breast-ovarian cancer, familial 2. Last evaluated: 2009-12-09. Review status: no assertion criteria provided. Collection method: clinical testing. Allele origin: germline. Not counted in ClinVar's aggregate classification.

NM_000059.4(BRCA2):c.6856A>C (p.Lys2286Gln)

Gene: BRCA2 (BRCA2 DNA repair associated; plus strand). Cytogenetic location: 13q13.1.
Variant type: single nucleotide variant.
Coding change: c.6856A>C on transcript NM_000059.4 (MANE Select); coding-DNA position 6856, A replaced by C.
Protein change: p.Lys2286Gln; replaces lysine 2286 with glutamine.
Molecular consequence: missense variant.
Genome position (GRCh38, 1-based): chr13:32,344,572, A>C. VCF-style: chr13-32344572-A-C. GRCh37 (hg19) VCF-style: chr13-32918709-A-C.
Other names: short protein forms K2286Q.
Identifiers: ClinVar variation 91460 (VCV000091460.12), dbSNP rs398122567, ClinGen allele CA024521.
Genomic context (GRCh38, chr13:32,344,572, plus strand): 5'-CTGATATTATTTGCCTTAAAAACATATATGAAATATTTCTTTTTAGGAGAACCCTCAATC[A>C]AAAGAAACTTATTAAATGAATTTGACAGGATAATAGAAAATCAAGAAAAATCCTTAAAGG-3'
Protein context (NP_000050.3, residues 2276-2296): PLILVGEPSI[Lys2286Gln]RNLLNEFDRI